The following is an entry in ClinVar:

ClinVar aggregate classification (germline): Uncertain significance (1 of 4 stars; one submission).

Conditions:
RASopathy. Also called: Noonan spectrum disorder; rasopathies. Identifiers: Orphanet 536391, MedGen C5555857, MONDO:0021060.

Allele frequency attached by ClinVar (database versions not stated): gnomAD 0.00001.
gnomAD v4.1: 1 of 1,605,106 alleles (0.000062%); highest among the groups gnomAD compares: African/African-American, 0.0013%; no homozygotes.

Submission:

Labcorp Genetics (formerly Invitae), Labcorp
Classification: Uncertain significance for RASopathy. Last evaluated: 2024-12-03. Review status: criteria provided, single submitter. Criteria: Invitae Variant Classification Sherloc (09022015). Collection method: clinical testing. Allele origin: germline.
Comment: This sequence change falls in intron 12 of the RAF1 gene. It does not directly change the encoded amino acid sequence of the RAF1 protein. It affects a nucleotide within the consensus splice site. This variant is not present in population databases (gnomAD no frequency). This variant has not been reported in the literature in individuals affected with RAF1-related conditions. ClinVar contains an entry for this variant (Variation ID: 1365101). Variants that disrupt the consensus splice site are a relatively common cause of aberrant splicing (PMID: 17576681, 9536098). Algorithms developed to predict the effect of sequence changes on RNA splicing suggest that this variant may disrupt the consensus splice site. In summary, the available evidence is currently insufficient to determine the role of this variant in disease. Therefore, it has been classified as a Variant of Uncertain Significance.

Literature cited by the submitters: PubMed 17576681; PubMed 9536098.

NM_002880.4(RAF1):c.1371-3C>T

Gene: RAF1 (Raf-1 proto-oncogene, serine/threonine kinase; minus strand). Cytogenetic location: 3p25.2.
Variant type: single nucleotide variant.
Coding change: c.1371-3C>T on transcript NM_002880.4 (MANE Select); 3 bases into the intron before coding-DNA position 1371, C replaced by T.
Molecular consequence: intron variant.
Genome position (GRCh38, 1-based): chr3:12,587,640, G>A on the plus strand (C>T on the coding strand, the complement: RAF1 is on the minus strand). VCF-style: chr3-12587640-G-A. GRCh37 (hg19) VCF-style: chr3-12629139-G-A.
Other names: c.1029-3C>T (NM_001354695.3); c.1128-3C>T (NM_001354692.3, NM_001354691.3); c.1188-3C>T (NM_001354694.3); c.1272-3C>T (NM_001354693.3); c.1431-3C>T (NM_001354689.3); c.1371-3C>T (NM_001354690.3).
Identifiers: ClinVar variation 1365101 (VCV001365101.6), dbSNP rs2058369542, ClinGen allele CA1045172220.